The following is an entry in ClinVar:

NM_018671.5(UNC45A):c.970C>A (p.Pro324Thr)

Gene: UNC45A (unc-45 myosin chaperone A; plus strand). Cytogenetic location: 15q26.1.
Variant type: single nucleotide variant.
Coding change: c.970C>A on transcript NM_018671.5 (MANE Select); coding-DNA position 970, C replaced by A.
Protein change: p.Pro324Thr; replaces proline 324 with threonine.
Molecular consequence: missense variant.
Genome position (GRCh38, 1-based): chr15:90,943,025, C>A. VCF-style: chr15-90943025-C-A. GRCh37 (hg19) VCF-style: chr15-91486255-C-A.
Other names: c.925C>A, p.Pro309Thr (NM_001039675.2, NM_001323621.2); c.970C>A, p.Pro324Thr (NM_001323619.1); c.535C>A, p.Pro179Thr (NM_001323620.2); short protein forms P179T, P324T, P309T.
Identifiers: ClinVar variation 1426994 (VCV001426994.4), dbSNP rs2036373456, ClinGen allele CA393853516.

ClinVar aggregate classification (germline): Uncertain significance (1 of 4 stars; one submission).

Allele frequency attached by ClinVar (database versions not stated): gnomAD exomes 0.00001.

Submission:

Labcorp Genetics (formerly Invitae), Labcorp
Classification: Uncertain significance. Last evaluated: 2021-11-22. Review status: criteria provided, single submitter. Criteria: Invitae Variant Classification Sherloc (09022015). Collection method: clinical testing. Allele origin: germline.
Comment: In summary, the available evidence is currently insufficient to determine the role of this variant in disease. Therefore, it has been classified as a Variant of Uncertain Significance. Algorithms developed to predict the effect of missense changes on protein structure and function are either unavailable or do not agree on the potential impact of this missense change (SIFT: "Not Available"; PolyPhen-2: "Probably Damaging"; Align-GVGD: "Not Available"). This variant has not been reported in the literature in individuals affected with UNC45A-related conditions. This variant is not present in population databases (gnomAD no frequency). This sequence change replaces proline, which is neutral and non-polar, with threonine, which is neutral and polar, at codon 324 of the UNC45A protein (p.Pro324Thr).